The following is an entry in ClinVar:

ClinVar aggregate classification (germline): Uncertain significance (1 of 4 stars; one submission).

Conditions:
COL12A1-related disorder. Also called: COL12A1-related condition.

gnomAD v4.1: 2 of 1,613,888 alleles (0.00012%); highest among the groups gnomAD compares: East Asian, 0.0022%; no homozygotes.

Submission:

PreventionGenetics, part of Exact Sciences
Classification: Uncertain significance for COL12A1-related condition. Last evaluated: 2026-04-10. Review status: criteria provided, single submitter. Criteria: ACMG Guidelines, 2015. Collection method: clinical testing. Allele origin: germline.
Comment: The COL12A1 c.5555T>C variant is predicted to result in the amino acid substitution p.Val1852Ala. To our knowledge, this variant has not been reported in the literature. This variant is reported in 0.0056% of alleles in individuals of East Asian descent in gnomAD. At this time, the clinical significance of this variant is uncertain due to the absence of conclusive functional and genetic evidence.

NM_004370.6(COL12A1):c.5555T>C (p.Val1852Ala)

Gene: COL12A1 (collagen type XII alpha 1 chain; minus strand). Cytogenetic location: 6q13.
Variant type: single nucleotide variant.
Coding change: c.5555T>C on transcript NM_004370.6 (MANE Select); coding-DNA position 5555, T replaced by C.
Protein change: p.Val1852Ala; replaces valine 1852 with alanine.
Molecular consequence: missense variant.
Genome position (GRCh38, 1-based): chr6:75,133,967, A>G on the plus strand (T>C on the coding strand, the complement: COL12A1 is on the minus strand). VCF-style: chr6-75133967-A-G. GRCh37 (hg19) VCF-style: chr6-75843683-A-G.
Other names: c.5555T>C, p.Val1852Ala (NM_001424113.1); c.5534T>C, p.Val1845Ala (NM_001424114.1); c.5282T>C, p.Val1761Ala (NM_001424115.1); c.2063T>C, p.Val688Ala (NM_001424116.1, NM_080645.3); short protein forms V688A, V1845A, V1852A, V1761A.
Identifiers: ClinVar variation 4983716 (VCV004983716.1).